The following is an entry in ClinVar:

NM_001083962.2(TCF4):c.807C>T (p.Ser269=)

Genes: TCF4 (transcription factor 4; minus strand), LOC126862757 (CDK7 strongly-dependent group 2 enhancer GRCh37_chr18:52936433-52937632; plus strand). Cytogenetic location: 18q21.2.
Variant type: single nucleotide variant.
Coding change: c.807C>T on transcript NM_001083962.2 (MANE Select); coding-DNA position 807, C replaced by T.
Protein change: p.Ser269=; no amino-acid change (serine 269 retained).
Molecular consequence: synonymous variant.
Genome position (GRCh38, 1-based): chr18:55,269,946, G>A on the plus strand (C>T on the coding strand, the complement: TCF4 is on the minus strand). VCF-style: chr18-55269946-G-A. GRCh37 (hg19) VCF-style: chr18-52937177-G-A.
Other names: c.1113C>T, p.Ser371= (NM_001243226.3); c.735C>T, p.Ser245= (NM_001243227.2, NM_001306207.1, NM_001348217.1 and 9 more transcripts); c.825C>T, p.Ser275= (NM_001243228.2); c.801C>T, p.Ser267= (NM_001243230.2); c.681C>T, p.Ser227= (NM_001243231.2, NM_001348211.2); c.594C>T, p.Ser198= (NM_001243232.1, NM_001306208.1); c.417C>T, p.Ser139= (NM_001243233.2, NM_001330605.3, NM_001348212.2 and 1 more transcripts); c.327C>T, p.Ser109= (NM_001243234.2, NM_001243235.2, NM_001243236.2 and 2 more transcripts); and 4 more.
Identifiers: ClinVar variation 387197 (VCV000387197.36), dbSNP rs143896861, ClinGen allele CA8970384.

ClinVar aggregate classification (germline): Likely benign. Review status: criteria provided, multiple submitters, no conflicts (2 of 4 stars). 3 submissions from 3 submitters: Likely benign (3). Last evaluated 2025-06-22.

Conditions:
Pitt-Hopkins syndrome (PTHS). Also called: ENCEPHALOPATHY, SEVERE EPILEPTIC, WITH AUTONOMIC DYSFUNCTION; MENTAL RETARDATION, SYNDROMAL, WITH INTERMITTENT HYPERVENTILATION. Identifiers: Orphanet 2896, MedGen C1970431, MONDO:0012589, OMIM 610954.

Allele frequency attached by ClinVar (database versions not stated): ExAC 0.00002; gnomAD exomes 0.00003 and 0.00001; TOPMed 0.00005; gnomAD 0.00007 and 0.00008; ESP Exome Variant Server 0.00015.
gnomAD v4.1: 22 of 1,613,140 alleles (0.0014%); highest among the groups gnomAD compares: African/African-American, 0.025%; no homozygotes.

Submissions (3):

Labcorp Genetics (formerly Invitae), Labcorp
Classification: Likely benign for Pitt-Hopkins syndrome. Last evaluated: 2025-06-22. Review status: criteria provided, single submitter. Criteria: Invitae Variant Classification Sherloc (09022015). Collection method: clinical testing. Allele origin: germline.

CeGaT Center for Human Genetics Tuebingen
Classification: Likely benign. Last evaluated: 2022-08-01. Review status: criteria provided, single submitter. Criteria: CeGaT Center For Human Genetics Tuebingen Variant Classification Criteria Version 2. Collection method: clinical testing. Allele origin: germline. Affected: yes. Observed: 1 variant allele.
Comment: TCF4: BP4

GeneDx
Classification: Likely benign. Last evaluated: 2016-06-28. Review status: criteria provided, single submitter. Criteria: GeneDx Variant Classification (06012015). Collection method: clinical testing. Allele origin: germline. Affected: yes.
Comment: This variant is considered likely benign or benign based on one or more of the following criteria: it is a conservative change, it occurs at a poorly conserved position in the protein, it is predicted to be benign by multiple in silico algorithms, and/or has population frequency not consistent with disease.